The following is an entry in ClinVar:

NM_013382.7(POMT2):c.58C>T (p.Arg20Cys)

Gene: POMT2 (protein O-mannosyltransferase 2; minus strand). Cytogenetic location: 14q24.3.
Variant type: single nucleotide variant.
Coding change: c.58C>T on transcript NM_013382.7 (MANE Select); coding-DNA position 58, C replaced by T.
Protein change: p.Arg20Cys; replaces arginine 20 with cysteine.
Molecular consequence: missense variant.
Genome position (GRCh38, 1-based): chr14:77,320,624, G>A on the plus strand (C>T on the coding strand, the complement: POMT2 is on the minus strand). VCF-style: chr14-77320624-G-A. GRCh37 (hg19) VCF-style: chr14-77786967-G-A.
Other names: short protein forms R20C.
Identifiers: ClinVar variation 1041756 (VCV001041756.8), dbSNP rs750127630, ClinGen allele CA390504887.

ClinVar aggregate classification (germline): Uncertain significance (1 of 4 stars; one submission).

Conditions:
Muscular dystrophy-dystroglycanopathy (congenital with brain and eye anomalies), type A2. Also called: MUSCULAR DYSTROPHY-DYSTROGLYCANOPATHY (CONGENITAL WITH BRAIN AND EYE ANOMALIES), TYPE A, 2; WALKER-WARBURG SYNDROME OR MUSCLE-EYE-BRAIN DISEASE, POMT2-RELATED. Identifiers: Orphanet 588, Orphanet 899, MedGen C3150411, MONDO:0013154, OMIM 613150.
Muscular dystrophy-dystroglycanopathy (congenital with impaired intellectual development), type B, 2. Also called: MUSCULAR DYSTROPHY, CONGENITAL, POMT2-RELATED; Muscular dystrophy-dystroglycanopathy (congenital with intellectual disability), type B2. Identifiers: MedGen C3150416, MONDO:0013160, OMIM 613156.
Autosomal recessive limb-girdle muscular dystrophy type 2N. Also called: Muscular dystrophy-dystroglycanopathy (limb-girdle), type C, 2; MUSCULAR DYSTROPHY-DYSTROGLYCANOPATHY, LIMB-GIRDLE, POMT2-RELATED. Identifiers: Orphanet 206559, MedGen C3150418, MONDO:0013162, OMIM 613158.

Allele frequency attached by ClinVar (database versions not stated): gnomAD exomes below 0.00001.
gnomAD v4.1: 2 of 1,590,964 alleles (0.00013%); highest among the groups gnomAD compares: South Asian, 0.0011%; no homozygotes.

Submission:

Labcorp Genetics (formerly Invitae), Labcorp
Classification: Uncertain significance for Muscular dystrophy-dystroglycanopathy (congenital with impaired intellectual development), type B, 2; Muscular dystrophy-dystroglycanopathy (congenital with brain and eye anomalies), type A2; Autosomal recessive limb-girdle muscular dystrophy type 2N. Last evaluated: 2022-08-15. Review status: criteria provided, single submitter. Criteria: Invitae Variant Classification Sherloc (09022015). Collection method: clinical testing. Allele origin: germline.
Comment: In summary, the available evidence is currently insufficient to determine the role of this variant in disease. Therefore, it has been classified as a Variant of Uncertain Significance. Algorithms developed to predict the effect of missense changes on protein structure and function are either unavailable or do not agree on the potential impact of this missense change (SIFT: "Deleterious"; PolyPhen-2: "Probably Damaging"; Align-GVGD: "Class C0"). ClinVar contains an entry for this variant (Variation ID: 1041756). This variant has not been reported in the literature in individuals affected with POMT2-related conditions. The frequency data for this variant in the population databases is considered unreliable, as metrics indicate poor data quality at this position in the gnomAD database. This sequence change replaces arginine, which is basic and polar, with cysteine, which is neutral and slightly polar, at codon 20 of the POMT2 protein (p.Arg20Cys).